The following is an entry in ClinVar:

NM_007294.4(BRCA1):c.4132G>T (p.Val1378Phe)

Gene: BRCA1 (BRCA1 DNA repair associated; minus strand). Cytogenetic location: 17q21.31.
Variant type: single nucleotide variant.
Coding change: c.4132G>T on transcript NM_007294.4 (MANE Select); coding-DNA position 4132, G replaced by T.
Protein change: p.Val1378Phe; replaces valine 1378 with phenylalanine.
Molecular consequence: missense variant. On other transcripts: non-coding transcript variant (1).
Genome position (GRCh38, 1-based): chr17:43,090,997, C>A on the plus strand (G>T on the coding strand, the complement: BRCA1 is on the minus strand). VCF-style: chr17-43090997-C-A. GRCh37 (hg19) VCF-style: chr17-41243014-C-A.
Other names: c.820G>T, p.Val274Phe (NM_001408399.1, NM_001408400.1, NM_001408401.1 and 13 more transcripts); c.823G>T, p.Val275Phe (NM_001408403.1, NM_001408404.1, NM_001408472.1 and 18 more transcripts); c.817G>T, p.Val273Phe (NM_001408406.1); c.814G>T, p.Val272Phe (NM_001408408.1); c.745G>T, p.Val249Phe (NM_001408409.1, NM_001408411.1, NM_001408412.1 and 2 more transcripts); c.682G>T, p.Val228Phe (NM_001408410.1, NM_001408452.1, NM_001408453.1 and 11 more transcripts); c.742G>T, p.Val248Phe (NM_001408413.1, NM_001408416.1); c.706G>T, p.Val236Phe (NM_001408418.1, NM_001408419.1, NM_001408420.1 and 2 more transcripts); and 41 more; short protein forms V1378F, V275F, V1331F, V1267F, V1308F, V1375F, V147F, V166F.
Identifiers: ClinVar variation 482891 (VCV000482891.15), dbSNP rs28897690, ClinGen allele CA10593460.

ClinVar aggregate classification (germline): Conflicting classifications of pathogenicity. Review status: criteria provided, conflicting classifications (1 of 4 stars). 5 submissions from 5 submitters: Uncertain significance (4); Likely benign (1). Last evaluated 2025-12-12.

Conditions:
Hereditary cancer-predisposing syndrome. Also called: Tumor predisposition; Hereditary Cancer Syndrome; Hereditary neoplastic syndrome; Neoplastic Syndromes, Hereditary. Identifiers: Orphanet 140162, MedGen C0027672, MeSH D009386, MONDO:0015356.
Hereditary breast ovarian cancer syndrome. Also called: Breast and ovarian cancer; Hereditary breast and/or ovarian cancer syndrome; BRCA1- and BRCA2-Associated Hereditary Breast and Ovarian Cancer; Hereditary breast and ovarian cancer syndrome; Hereditary breast and ovarian cancer syndrome (HBOC); Hereditary breast and ovarian cancer. Identifiers: Orphanet 145, MedGen C0677776, MeSH D061325, MONDO:0003582. Disease mechanism: loss of function.
Breast-ovarian cancer, familial, susceptibility to, 1 (BROVCA1). Also called: BRCA1 Hereditary Breast and Ovarian Cancer; OVARIAN CANCER, SUSCEPTIBILITY TO. Identifiers: Orphanet 145, MedGen C2676676, MONDO:0011450, OMIM 604370. Disease mechanism: loss of function.

Submissions (5):

Myriad Genetics, Inc.
Classification: Likely benign for Breast-ovarian cancer, familial, susceptibility to, 1. Last evaluated: 2025-12-12. Review status: criteria provided, single submitter. Criteria: Myriad Autosomal Dominant, Autosomal Recessive and X-Linked Classification Criteria (2023). Collection method: clinical testing. Allele origin: unknown.
Comment: This variant is considered likely benign. This variant is strongly associated with less severe personal and family histories of cancer, typical for individuals without pathogenic variants in this gene [PMID: 25085752].

Color Diagnostics, LLC DBA Color Health
Classification: Uncertain significance for Hereditary cancer-predisposing syndrome. Last evaluated: 2025-07-03. Review status: criteria provided, single submitter. Criteria: ACMG Guidelines, 2015. Collection method: clinical testing. Allele origin: germline.
Comment: This missense variant replaces valine with phenylalanine at codon 1378 of the BRCA1 protein. Computational prediction is inconclusive regarding the impact of this variant on protein structure and function. To our knowledge, functional studies have not been reported for this variant. This variant has not been reported in individuals affected with BRCA1-related disorders in the literature. This variant has been identified in 1/31410 chromosomes in the general population by the Genome Aggregation Database (gnomAD). The available evidence is insufficient to determine the role of this variant in disease conclusively. Therefore, this variant is classified as a Variant of Uncertain Significance.

Labcorp Genetics (formerly Invitae), Labcorp
Classification: Uncertain significance for Hereditary breast ovarian cancer syndrome. Last evaluated: 2025-03-17. Review status: criteria provided, single submitter. Criteria: Invitae Variant Classification Sherloc (09022015). Collection method: clinical testing. Allele origin: germline.
Comment: This sequence change replaces valine, which is neutral and non-polar, with phenylalanine, which is neutral and non-polar, at codon 1378 of the BRCA1 protein (p.Val1378Phe). This variant is present in population databases (no rsID available, gnomAD 0.01%). This variant has not been reported in the literature in individuals affected with BRCA1-related conditions. ClinVar contains an entry for this variant (Variation ID: 482891). Invitae Evidence Modeling of protein sequence and biophysical properties (such as structural, functional, and spatial information, amino acid conservation, physicochemical variation, residue mobility, and thermodynamic stability) indicates that this missense variant is not expected to disrupt BRCA1 protein function with a negative predictive value of 80%. In summary, the available evidence is currently insufficient to determine the role of this variant in disease. Therefore, it has been classified as a Variant of Uncertain Significance.

Ambry Genetics
Classification: Uncertain significance for Hereditary cancer-predisposing syndrome. Last evaluated: 2024-10-11. Review status: criteria provided, single submitter. Criteria: Ambry Variant Classification Scheme 2023. Collection method: clinical testing. Allele origin: germline.
Comment: The p.V1378F variant (also known as c.4132G>T), located in coding exon 10 of the BRCA1 gene, results from a G to T substitution at nucleotide position 4132. The valine at codon 1378 is replaced by phenylalanine, an amino acid with highly similar properties. This amino acid position is poorly conserved in available vertebrate species. In addition, the in silico prediction for this alteration is inconclusive. Based on the available evidence, the clinical significance of this variant remains unclear.

Baylor Genetics
Classification: Uncertain significance for Breast-ovarian cancer, familial, susceptibility to, 1. Last evaluated: 2024-03-29. Review status: criteria provided, single submitter. Criteria: ACMG Guidelines, 2015. Collection method: clinical testing. Allele origin: unknown.

Literature cited by the submitters: PubMed 25085752 (cited by Myriad Genetics, Inc.).